The following is an entry in ClinVar:

ClinVar aggregate classification (germline): Uncertain significance (1 of 4 stars; one submission).

Submission:

GeneDx
Classification: Uncertain significance. Last evaluated: 2023-08-07. Review status: criteria provided, single submitter. Criteria: GeneDx Variant Classification Process June 2021. Collection method: clinical testing. Allele origin: germline. Affected: yes.
Comment: Not observed at significant frequency in large population cohorts (gnomAD); In silico analysis supports that this missense variant has a deleterious effect on protein structure/function; Has not been previously published as pathogenic or benign to our knowledge

NM_000311.5(PRNP):c.88G>A (p.Gly30Arg)

Gene: PRNP (prion protein (Kanno blood group); plus strand). Cytogenetic location: 20p13.
Variant type: single nucleotide variant.
Coding change: c.88G>A on transcript NM_000311.5 (MANE Select); coding-DNA position 88, G replaced by A.
Protein change: p.Gly30Arg; replaces glycine 30 with arginine.
Molecular consequence: missense variant. On other transcripts: 5 prime UTR variant (1).
Genome position (GRCh38, 1-based): chr20:4,699,308, G>A. VCF-style: chr20-4699308-G-A. GRCh37 (hg19) VCF-style: chr20-4679954-G-A.
Other names: c.88G>A, p.Gly30Arg (NM_001080121.3, NM_001080122.3, NM_001080123.3 and 1 more transcripts); c.-2G>A (NM_001271561.3); short protein forms G30R.
Identifiers: ClinVar variation 3253499 (VCV003253499.1), dbSNP rs2514371918.
Genomic context (GRCh38, chr20:4,699,308, plus strand): 5'-GTTCTCTTTGTGGCCACATGGAGTGACCTGGGCCTCTGCAAGAAGCGCCCGAAGCCTGGA[G>A]GATGGAACACTGGGGGCAGCCGATACCCGGGGCAGGGCAGCCCTGGAGGCAACCGCTACC-3'
Protein context (NP_000302.1, residues 20-40): GLCKKRPKPG[Gly30Arg]WNTGGSRYPG